The following is an entry in ClinVar:

NM_001379500.1(COL18A1):c.3694-3C>T

Genes: COL18A1 (collagen type XVIII alpha 1 chain; plus strand), SLC19A1 (solute carrier family 19 member 1; minus strand). Cytogenetic location: 21q22.3.
Variant type: single nucleotide variant.
Coding change: c.3694-3C>T on transcript NM_001379500.1 (MANE Select); 3 bases into the intron before coding-DNA position 3694, C replaced by T.
Molecular consequence: intron variant.
Genome position (GRCh38, 1-based): chr21:45,511,108, C>T. VCF-style: chr21-45511108-C-T. GRCh37 (hg19) VCF-style: chr21-46931022-C-T.
Other names: c.4939-3C>T (NM_130444.3); c.4234-3C>T (NM_030582.4).
Identifiers: ClinVar variation 3691147 (VCV003691147.2).

ClinVar aggregate classification (germline): Uncertain significance (1 of 4 stars; one submission).

gnomAD v4.1: 1 of 1,528,138 alleles (0.000065%); highest among the groups gnomAD compares: South Asian, 0.0012%; no homozygotes.

Submission:

Labcorp Genetics (formerly Invitae), Labcorp
Classification: Uncertain significance. Last evaluated: 2024-05-17. Review status: criteria provided, single submitter. Criteria: Invitae Variant Classification Sherloc (09022015). Collection method: clinical testing. Allele origin: germline.
Comment: This sequence change falls in intron 40 of the COL18A1 gene. It does not directly change the encoded amino acid sequence of the COL18A1 protein. It affects a nucleotide within the consensus splice site. This variant is not present in population databases (gnomAD no frequency). This variant has not been reported in the literature in individuals affected with COL18A1-related conditions. Variants that disrupt the consensus splice site are a relatively common cause of aberrant splicing (PMID: 17576681, 9536098). Algorithms developed to predict the effect of sequence changes on RNA splicing suggest that this variant is not likely to affect RNA splicing. In summary, the available evidence is currently insufficient to determine the role of this variant in disease. Therefore, it has been classified as a Variant of Uncertain Significance.

Literature cited by the submitters: PubMed 17576681; PubMed 9536098.